The following is an entry in ClinVar:

ClinVar aggregate classification (germline): Uncertain significance. Review status: criteria provided, multiple submitters, no conflicts (2 of 4 stars). 3 submissions from 3 submitters: Uncertain significance (3). Last evaluated 2024-04-08.

Conditions:
Severe early-onset pulmonary alveolar proteinosis due to MARS deficiency. Also called: PULMONARY ALVEOLAR PROTEINOSIS, REUNION ISLAND; Interstitial lung and liver disease. Identifiers: Orphanet 440427, MedGen C4225400, MONDO:0014206, OMIM 615486.
Charcot-Marie-Tooth disease axonal type 2U. Also called: CHARCOT-MARIE-TOOTH NEUROPATHY, TYPE 2U; CHARCOT-MARIE-TOOTH DISEASE, AXONAL, AUTOSOMAL DOMINANT, TYPE 2U. Identifiers: Orphanet 397735, MedGen C4084821, MONDO:0014566, OMIM 616280.

Allele frequency attached by ClinVar (database versions not stated): gnomAD exomes 0.00001.
gnomAD v4.1: 13 of 1,614,134 alleles (0.00081%); highest among the groups gnomAD compares: Non-Finnish European, 0.001%; no homozygotes.

Submissions (3):

Mayo Clinic Laboratories, Mayo Clinic
Classification: Uncertain significance. Last evaluated: 2024-04-08. Review status: criteria provided, single submitter. Criteria: ACMG Guidelines, 2015. Collection method: clinical testing. Allele origin: germline. Observed: 1 variant allele.
Comment: PM2_moderate

Labcorp Genetics (formerly Invitae), Labcorp
Classification: Uncertain significance for Charcot-Marie-Tooth disease axonal type 2U; Severe early-onset pulmonary alveolar proteinosis due to MARS deficiency. Last evaluated: 2023-06-21. Review status: criteria provided, single submitter. Criteria: Invitae Variant Classification Sherloc (09022015). Collection method: clinical testing. Allele origin: germline.
Comment: This variant is not present in population databases (gnomAD no frequency). This variant has not been reported in the literature in individuals affected with MARS-related conditions. This sequence change replaces isoleucine, which is neutral and non-polar, with threonine, which is neutral and polar, at codon 146 of the MARS protein (p.Ile146Thr). In summary, the available evidence is currently insufficient to determine the role of this variant in disease. Therefore, it has been classified as a Variant of Uncertain Significance. ClinVar contains an entry for this variant (Variation ID: 1800236). An algorithm developed to predict the effect of missense changes on protein structure and function (PolyPhen-2) suggests that this variant is likely to be tolerated.

Ambry Genetics
Classification: Uncertain significance. Last evaluated: 2020-03-16. Review status: criteria provided, single submitter. Criteria: Ambry Variant Classification Scheme 2023. Collection method: clinical testing. Allele origin: germline.
Comment: The p.I146T variant (also known as c.437T>C), located in coding exon 5 of the MARS gene, results from a T to C substitution at nucleotide position 437. The isoleucine at codon 146 is replaced by threonine, an amino acid with similar properties. This amino acid position is well conserved in available vertebrate species. In addition, the in silico prediction for this alteration is inconclusive. Since supporting evidence is limited at this time, the clinical significance of this alteration remains unclear.

NM_004990.4(MARS1):c.437T>C (p.Ile146Thr)

Gene: MARS1 (methionyl-tRNA synthetase 1; plus strand). Cytogenetic location: 12q13.3.
Variant type: single nucleotide variant.
Coding change: c.437T>C on transcript NM_004990.4 (MANE Select); coding-DNA position 437, T replaced by C.
Protein change: p.Ile146Thr; replaces isoleucine 146 with threonine.
Molecular consequence: missense variant.
Genome position (GRCh38, 1-based): chr12:57,489,918, T>C. VCF-style: chr12-57489918-T-C. GRCh37 (hg19) VCF-style: chr12-57883701-T-C.
Other names: p.Ile146Thr; short protein forms I146T.
Identifiers: ClinVar variation 1800236 (VCV001800236.8), dbSNP rs2540259359, ClinGen allele CA385491631.